The following is an entry in ClinVar:

ClinVar aggregate classification (germline): Uncertain significance (1 of 4 stars; one submission).

Conditions:
Autosomal recessive limb-girdle muscular dystrophy type 2A (LGMDR1). Also called: Calpainopathy; Limb-girdle muscular dystrophy, type 2A; LEYDEN-MOEBIUS MUSCULAR DYSTROPHY; MUSCULAR DYSTROPHY, PELVOFEMORAL; Muscular dystrophy, limb-girdle, type 2A, Amish. Identifiers: Orphanet 267, MedGen C1869123, MONDO:0009675, OMIM 253600. Disease mechanism: loss of function.

Submission:

Labcorp Genetics (formerly Invitae), Labcorp
Classification: Uncertain significance for Autosomal recessive limb-girdle muscular dystrophy type 2A. Last evaluated: 2020-02-21. Review status: criteria provided, single submitter. Criteria: Invitae Variant Classification Sherloc (09022015). Collection method: clinical testing. Allele origin: germline.
Comment: In summary, the available evidence is currently insufficient to determine the role of this variant in disease. Therefore, it has been classified as a Variant of Uncertain Significance. Algorithms developed to predict the effect of missense changes on protein structure and function are either unavailable or do not agree on the potential impact of this missense change (SIFT: "Deleterious"; PolyPhen-2: "Possibly Damaging"; Align-GVGD: "Class C0"). This variant has not been reported in the literature in individuals with CAPN3-related disease. This variant is not present in population databases (ExAC no frequency). This sequence change replaces alanine with serine at codon 208 of the CAPN3 protein (p.Ala208Ser). The alanine residue is highly conserved and there is a moderate physicochemical difference between alanine and serine.

NM_000070.3(CAPN3):c.622G>T (p.Ala208Ser)

Gene: CAPN3 (calpain 3; plus strand). Cytogenetic location: 15q15.1.
Variant type: single nucleotide variant.
Coding change: c.622G>T on transcript NM_000070.3 (MANE Select); coding-DNA position 622, G replaced by T.
Protein change: p.Ala208Ser; replaces alanine 208 with serine.
Molecular consequence: missense variant.
Genome position (GRCh38, 1-based): chr15:42,387,876, G>T. VCF-style: chr15-42387876-G-T. GRCh37 (hg19) VCF-style: chr15-42680074-G-T.
Other names: c.622G>T, p.Ala208Ser (NM_024344.2, NM_173087.2); short protein forms A208S.
Identifiers: ClinVar variation 574098 (VCV000574098.9), dbSNP rs1566975157, ClinGen allele CA391998008.